The following is an entry in ClinVar:

ClinVar aggregate classification (germline): Uncertain significance (1 of 4 stars; one submission).

Conditions:
Inborn genetic diseases. Identifiers: MedGen C0950123, MeSH D030342.

Submission:

Ambry Genetics
Classification: Uncertain significance for Inborn genetic diseases. Last evaluated: 2019-01-08. Review status: criteria provided, single submitter. Criteria: Ambry Variant Classification Scheme 2023. Collection method: clinical testing. Allele origin: germline.
Comment: The p.N115I variant (also known as c.344A>T), located in coding exon 2 of the SCN1A gene, results from an A to T substitution at nucleotide position 344. The asparagine at codon 115 is replaced by isoleucine, an amino acid with dissimilar properties. This amino acid position is highly conserved in available vertebrate species. In addition, this alteration is predicted to be deleterious by in silico analysis. Since supporting evidence is limited at this time, the clinical significance of this alteration remains unclear.

NM_001165963.4(SCN1A):c.344A>T (p.Asn115Ile)

Gene: SCN1A (sodium voltage-gated channel alpha subunit 1; minus strand). Cytogenetic location: 2q24.3.
Variant type: single nucleotide variant.
Coding change: c.344A>T on transcript NM_001165963.4 (MANE Select); coding-DNA position 344, A replaced by T.
Protein change: p.Asn115Ile; replaces asparagine 115 with isoleucine.
Molecular consequence: missense variant. On other transcripts: 5 prime UTR variant (1), non-coding transcript variant (1).
Genome position (GRCh38, 1-based): chr2:166,058,609, T>A on the plus strand (A>T on the coding strand, the complement: SCN1A is on the minus strand). VCF-style: chr2-166058609-T-A. GRCh37 (hg19) VCF-style: chr2-166915119-T-A.
Other names: c.344A>T, p.Asn115Ile (NM_001165964.3, NM_001202435.3, NM_001353948.2 and 10 more transcripts); c.-2082A>T (NM_001353961.2); short protein forms N115I.
Identifiers: ClinVar variation 1731539 (VCV001731539.2), dbSNP rs1699357096, ClinGen allele CA349076944.